The following is an entry in ClinVar:

ClinVar aggregate classification (germline): Likely benign (1 of 4 stars; one submission).

Submission:

CeGaT Center for Human Genetics Tuebingen
Classification: Likely benign. Last evaluated: 2026-09-01. Review status: criteria provided, single submitter. Criteria: CeGaT Center For Human Genetics Tuebingen Variant Classification Criteria Version 2. Collection method: clinical testing. Allele origin: germline. Affected: yes. Observed: 1 variant allele.
Comment: ITCH: PM2:Supporting, BP4, BP7

NM_031483.7(ITCH):c.2391A>T (p.Pro797=)

Gene: ITCH (itchy E3 ubiquitin protein ligase; plus strand). Cytogenetic location: 20q11.22.
Variant type: single nucleotide variant.
Coding change: c.2391A>T on transcript NM_031483.7 (MANE Select); coding-DNA position 2391, A replaced by T.
Protein change: p.Pro797=; no amino-acid change (proline 797 retained).
Molecular consequence: synonymous variant.
Genome position (GRCh38, 1-based): chr20:34,492,572, A>T. VCF-style: chr20-34492572-A-T. GRCh37 (hg19) VCF-style: chr20-33080377-A-T.
Other names: c.2514A>T, p.Pro838= (NM_001257137.3, NM_001324197.2); c.2061A>T, p.Pro687= (NM_001257138.3); c.2391A>T, p.Pro797= (NM_001324198.2).
Identifiers: ClinVar variation 5041578 (VCV005041578.1).
Genomic context (GRCh38, chr20:34,492,572, plus strand): 5'-AATTGATAATGAGAAGAGAATGAGACTTCTGCAGTTTGTTACTGGAACCTGCCGATTGCC[A>T]GTAGGAGGATTTGCTGATCTCATGGGTATGTATACAGGATCACTTTTCCTATACAGAAAA-3'
Protein context (NP_113671.3, residues 787-807): LQFVTGTCRL[Pro797=]VGGFADLMGS